The following is an entry in ClinVar:

NM_000384.3(APOB):c.4240C>A (p.His1414Asn)

Gene: APOB (apolipoprotein B; minus strand). Cytogenetic location: 2p24.1.
Variant type: single nucleotide variant.
Coding change: c.4240C>A on transcript NM_000384.3 (MANE Select); coding-DNA position 4240, C replaced by A.
Protein change: p.His1414Asn; replaces histidine 1414 with asparagine.
Molecular consequence: missense variant.
Genome position (GRCh38, 1-based): chr2:21,012,628, G>T on the plus strand (C>A on the coding strand, the complement: APOB is on the minus strand). VCF-style: chr2-21012628-G-T. GRCh37 (hg19) VCF-style: chr2-21235500-G-T.
Other names: short protein forms H1414N.
Identifiers: ClinVar variation 3572074 (VCV003572074.1).

ClinVar aggregate classification (germline): Uncertain significance (1 of 4 stars; one submission).

gnomAD v4.1: 2 of 1,612,656 alleles (0.00012%); highest among the groups gnomAD compares: Non-Finnish European, 0.00017%; no homozygotes.

Submission:

Quest Diagnostics Nichols Institute San Juan Capistrano
Classification: Uncertain significance. Last evaluated: 2024-08-14. Review status: criteria provided, single submitter. Criteria: Quest Diagnostics criteria. Collection method: clinical testing. Allele origin: unknown.
Comment: The APOB c.4240C>A (p.His1414Asn) variant has not been reported in individuals with APOB-related conditions in the published literature. It also has not been reported in large, multi-ethnic general populations (Genome Aggregation Database). Analysis of this variant using bioinformatics tools for the prediction of the effect of amino acid changes on protein structure and function yielded predictions that this variant is benign. Based on the available information, we are unable to determine the clinical significance of this variant.